The following is an entry in ClinVar:

ClinVar aggregate classification (germline): Pathogenic. Review status: reviewed by expert panel (3 of 4 stars). 8 submissions from 8 submitters: Pathogenic (1). 7 of the submissions do not count toward it. Last evaluated 2016-10-18.

Conditions:
Hereditary breast ovarian cancer syndrome. Also called: Hereditary breast and ovarian cancer syndrome (HBOC); Hereditary breast and ovarian cancer syndrome; Hereditary breast and ovarian cancer; Hereditary breast and/or ovarian cancer syndrome; Breast and ovarian cancer; BRCA1- and BRCA2-Associated Hereditary Breast and Ovarian Cancer. Identifiers: Orphanet 145, MedGen C0677776, MeSH D061325, MONDO:0003582. Disease mechanism: loss of function.
Breast-ovarian cancer, familial, susceptibility to, 1 (BROVCA1). Also called: OVARIAN CANCER, SUSCEPTIBILITY TO; BRCA1 Hereditary Breast and Ovarian Cancer. Identifiers: Orphanet 145, MedGen C2676676, MONDO:0011450, OMIM 604370. Disease mechanism: loss of function.
Ovarian carcinoma. Identifiers: MedGen C4721610, MONDO:0005140, HP:0025318.

Submissions (8):

Evidence-based Network for the Interpretation of Germline Mutant Alleles (ENIGMA)
Classification: Pathogenic for Breast-ovarian cancer, familial, susceptibility to, 1. Last evaluated: 2016-10-18. Review status: reviewed by expert panel. Criteria: ENIGMA BRCA1/2 Classification Criteria (2015). Collection method: curation. Allele origin: germline.
Comment: Variant allele predicted to encode a truncated non-functional protein.

Labcorp Genetics (formerly Invitae), Labcorp
Classification: Pathogenic for Hereditary breast ovarian cancer syndrome. Last evaluated: 2023-11-07. Review status: criteria provided, single submitter. Criteria: Invitae Variant Classification Sherloc (09022015). Collection method: clinical testing. Allele origin: germline. Not counted in ClinVar's aggregate classification.
Comment: This sequence change creates a premature translational stop signal (p.Gln657*) in the BRCA1 gene. It is expected to result in an absent or disrupted protein product. Loss-of-function variants in BRCA1 are known to be pathogenic (PMID: 20104584). This variant is not present in population databases (gnomAD no frequency). This premature translational stop signal has been observed in individual(s) with breast cancer (PMID: 16826315, 30720863). ClinVar contains an entry for this variant (Variation ID: 54423). For these reasons, this variant has been classified as Pathogenic.

Unidad Asesoramiento Genetico Oncologico Falp, Instituto Oncologico Fundacion Arturo Lopez Perez
Classification: Pathogenic for Breast-ovarian cancer, familial, susceptibility to, 1. Last evaluated: 2023-08-01. Review status: criteria provided, single submitter. Criteria: ACMG Guidelines, 2015. Collection method: clinical testing. Allele origin: unknown. Affected: yes. Not counted in ClinVar's aggregate classification.

Women's Health and Genetics/Laboratory Corporation of America, LabCorp
Classification: Pathogenic for Hereditary breast ovarian cancer syndrome. Last evaluated: 2021-04-25. Review status: criteria provided, single submitter. Criteria: LabCorp Variant Classification Summary - May 2015. Collection method: clinical testing. Allele origin: germline. Not counted in ClinVar's aggregate classification.
Comment: Variant summary: BRCA1 c.1969C>T (p.Gln657X) results in a premature termination codon, predicted to cause a truncation of the encoded protein or absence of the protein due to nonsense mediated decay, which are commonly known mechanisms for disease. Truncations downstream of this position have been classified as pathogenic by our laboratory. The variant was absent in 251128 control chromosomes. c.1969C>T has been reported in the literature in individuals affected with Hereditary Breast And Ovarian Cancer Syndrome (example, Judkins_2005, Deng_2019, Peixoto_2014, Rebbeck_2018). To our knowledge, no experimental evidence demonstrating an impact on protein function has been reported. One expert panel (ENIGMA) and one consortium (CIMBA) have submitted clinical-significance assessments for this variant to ClinVar after 2014 without evidence for independent evaluation. All submitters classified the variant as pathogenic. Based on the evidence outlined above, the variant was classified as pathogenic.

Consortium of Investigators of Modifiers of BRCA1/2 (CIMBA), c/o University of Cambridge
Classification: Pathogenic for Breast-ovarian cancer, familial, susceptibility to, 1. Last evaluated: 2015-10-02. Review status: criteria provided, single submitter. Criteria: CIMBA Mutation Classification guidelines May 2016. Collection method: clinical testing. Allele origin: germline. Not counted in ClinVar's aggregate classification.

GeneDx
Classification: Pathogenic. Last evaluated: 2014-10-24. Review status: criteria provided, single submitter. Criteria: GeneDx Variant Classification (06012015). Collection method: clinical testing. Allele origin: germline. Affected: yes. Not counted in ClinVar's aggregate classification.
Comment: This mutation is noted BRCA1 c.1969C>T at the cDNA level and p.Gln657Ter (Q657X) at the protein level. The substitution creates a nonsense variant, which changes a Glutamine to a premature stop codon (CAA>TAA), and is predicted to cause loss of normal protein function through either protein truncation or nonsense-mediated mRNA decay. This variant has been reported in association with hereditary breast cancer and is considered pathogenic (Peixoto 2006).

Medical Genetics Laboratory, Umraniye Training and Research Hospital, University of Health Sciences
Classification: Pathogenic for Ovarian carcinoma. Last evaluated: 2021-09-12. Review status: no assertion criteria provided. Collection method: clinical testing. Allele origin: germline. Inheritance: Autosomal dominant inheritance. Affected: yes. Observed: 1 heterozygote. Not counted in ClinVar's aggregate classification.

BRCAlab, Lund University
Classification: Pathogenic for Breast-ovarian cancer, familial, susceptibility to, 1. Last evaluated: 2020-03-02. Review status: no assertion criteria provided. Collection method: clinical testing. Allele origin: germline. Affected: yes. Not counted in ClinVar's aggregate classification.

Literature cited by the submitters: PubMed 20104584 (cited by Labcorp Genetics (formerly Invitae), Labcorp); PubMed 16826315 (cited by Labcorp Genetics (formerly Invitae), Labcorp and Women's Health and Genetics/Laboratory Corporation of America, LabCorp); PubMed 30720863 (cited by Labcorp Genetics (formerly Invitae), Labcorp and Women's Health and Genetics/Laboratory Corporation of America, LabCorp); PubMed 16267036 (cited by Women's Health and Genetics/Laboratory Corporation of America, LabCorp); PubMed 24916970 (cited by Women's Health and Genetics/Laboratory Corporation of America, LabCorp); PubMed 29446198 (cited by Women's Health and Genetics/Laboratory Corporation of America, LabCorp).

NM_007294.4(BRCA1):c.1969C>T (p.Gln657Ter)

Gene: BRCA1 (BRCA1 DNA repair associated; minus strand). Cytogenetic location: 17q21.31.
Variant type: single nucleotide variant.
Coding change: c.1969C>T on transcript NM_007294.4 (MANE Select); coding-DNA position 1969, C replaced by T.
Protein change: p.Gln657Ter; replaces glutamine 657 with a stop codon.
Molecular consequence: nonsense. On other transcripts: intron variant (137).
Genome position (GRCh38, 1-based): chr17:43,093,562, G>A on the plus strand (C>T on the coding strand, the complement: BRCA1 is on the minus strand). VCF-style: chr17-43093562-G-A. GRCh37 (hg19) VCF-style: chr17-41245579-G-A.
Other names: 2088C>T (Q657X); c.787+1182C>T (NM_001407971.1, NM_001407981.1, NM_007298.4 and 19 more transcripts); c.790+1179C>T (NM_001408406.1); c.646+1182C>T (NM_001408456.1, NM_001408410.1, NM_001408458.1 and 11 more transcripts); c.643+1182C>T (NM_001408465.1, NM_001408463.1, NM_001408462.1 and 3 more transcripts); c.577+1182C>T (NM_001408482.1, NM_001408484.1, NM_001408478.1 and 9 more transcripts); c.520+1182C>T (NM_001408504.1, NM_001408503.1, NM_001408505.1); c.523+1182C>T (NM_001408499.1, NM_001408498.1, NM_001408501.1 and 3 more transcripts); and 41 more; short protein forms Q657*, Q610*, Q361*, Q545*, Q569*, Q586*, Q589*, Q615*.
Identifiers: ClinVar variation 54423 (VCV000054423.17), dbSNP rs397508926, ClinGen allele CA001314.